The following is an entry in ClinVar:

NM_000255.4(MMUT):c.1008G>A (p.Met336Ile)

Gene: MMUT (methylmalonyl-CoA mutase; minus strand). Cytogenetic location: 6p12.3.
Variant type: single nucleotide variant.
Coding change: c.1008G>A on transcript NM_000255.4 (MANE Select); coding-DNA position 1008, G replaced by A.
Protein change: p.Met336Ile; replaces methionine 336 with isoleucine.
Molecular consequence: missense variant.
Genome position (GRCh38, 1-based): chr6:49,453,660, C>T on the plus strand (G>A on the coding strand, the complement: MMUT is on the minus strand). VCF-style: chr6-49453660-C-T. GRCh37 (hg19) VCF-style: chr6-49421373-C-T.
Other names: c.1008G>A (NM_000255.3); short protein forms M336I.
Identifiers: ClinVar variation 1016316 (VCV001016316.10), dbSNP rs150095448, ClinGen allele CA3846987.

ClinVar aggregate classification (germline): Conflicting classifications of pathogenicity. Review status: criteria provided, conflicting classifications (1 of 4 stars). 4 submissions from 4 submitters: Uncertain significance (1); Likely benign (2). 1 of the submissions does not count toward it. Last evaluated 2026-01-03.

Conditions:
Methylmalonic aciduria due to complete methylmalonyl-CoA mutase deficiency.

Allele frequency attached by ClinVar (database versions not stated): gnomAD exomes 0.00001 and 0.00005; ExAC 0.00007; ESP Exome Variant Server 0.00015; gnomAD 0.00022 and 0.00024; TOPMed 0.00023; 1000 Genomes Project 30x 0.00031; 1000 Genomes Project 0.00040.
gnomAD v4.1: 54 of 1,613,108 alleles (0.0033%); highest among the groups gnomAD compares: African/African-American, 0.071%; no homozygotes.

Submissions (4):

Labcorp Genetics (formerly Invitae), Labcorp
Classification: Likely benign. Last evaluated: 2026-01-03. Review status: criteria provided, single submitter. Criteria: Invitae Variant Classification Sherloc (09022015). Collection method: clinical testing. Allele origin: germline.

Ambry Genetics
Classification: Uncertain significance. Last evaluated: 2024-01-23. Review status: criteria provided, single submitter. Criteria: Ambry Variant Classification Scheme 2023. Collection method: clinical testing. Allele origin: germline.

GeneDx
Classification: Likely benign. Last evaluated: 2023-12-29. Review status: criteria provided, single submitter. Criteria: GeneDx Variant Classification Process June 2021. Collection method: clinical testing. Allele origin: germline. Affected: yes.
Comment: See Variant Classification Assertion Criteria.

Natera, Inc.
Classification: Uncertain significance for Methylmalonic aciduria due to complete methylmalonyl-CoA mutase deficiency. Last evaluated: 2020-02-21. Review status: no assertion criteria provided. Collection method: clinical testing. Allele origin: germline. Not counted in ClinVar's aggregate classification.